The following is an entry in ClinVar:

NM_198578.4(LRRK2):c.7019C>G (p.Thr2340Arg)

Gene: LRRK2 (leucine rich repeat kinase 2; plus strand). Cytogenetic location: 12q12.
Variant type: single nucleotide variant.
Coding change: c.7019C>G on transcript NM_198578.4 (MANE Select); coding-DNA position 7019, C replaced by G.
Protein change: p.Thr2340Arg; replaces threonine 2340 with arginine.
Molecular consequence: missense variant.
Genome position (GRCh38, 1-based): chr12:40,359,435, C>G. VCF-style: chr12-40359435-C-G. GRCh37 (hg19) VCF-style: chr12-40753237-C-G.
Other names: short protein forms T2340R.
Identifiers: ClinVar variation 1756701 (VCV001756701.2), dbSNP rs2500012634, ClinGen allele CA384412167.
Genomic context (GRCh38, chr12:40,359,435, plus strand): 5'-GCACAAAGATTTTCTCCTTTTCTAATGATTTCACCATTCAGAAACTCATTGAGACAAGAA[C>G]AAGCCAACTGTAAGTTATTTTTTATCTGTACAAGTAATTTATCATTATACTTTTGTTTTT-3'
Protein context (NP_940980.4, residues 2330-2350): FTIQKLIETR[Thr2340Arg]SQLFSYAAFS

ClinVar aggregate classification (germline): Uncertain significance (1 of 4 stars; one submission).

Conditions:
Inborn genetic diseases. Identifiers: MedGen C0950123, MeSH D030342.

Submission:

Ambry Genetics
Classification: Uncertain significance for Inborn genetic diseases. Last evaluated: 2022-09-26. Review status: criteria provided, single submitter. Criteria: Ambry Variant Classification Scheme 2023. Collection method: clinical testing. Allele origin: germline.
Comment: The p.T2340R variant (also known as c.7019C>G), located in coding exon 47 of the LRRK2 gene, results from a C to G substitution at nucleotide position 7019. The threonine at codon 2340 is replaced by arginine, an amino acid with similar properties. This amino acid position is conserved. In addition, this alteration is predicted to be tolerated by in silico analysis. Since supporting evidence is limited at this time, the clinical significance of this alteration remains unclear.